The following is an entry in ClinVar:

ClinVar aggregate classification (germline): Pathogenic (1 of 4 stars; one submission).

Submission:

Quest Diagnostics Nichols Institute San Juan Capistrano
Classification: Pathogenic. Last evaluated: 2024-06-17. Review status: criteria provided, single submitter. Criteria: ACMG/ClinGen CNV Guidelines, 2019. Collection method: clinical testing. Allele origin: unknown.
Comment: This copy number loss is consistent with the proximal 16p12.2 recurrent region (ISCA-37409; frequently referred to as 16p12.1 deletion in the literature, see OMIM 136570) is associated with susceptibility to various neurodevelopmental and neuropsychiatric phenotypes (Girirajan 2018, Redaelli 2019). Thus, based on current medical literature, this copy number variant (CNV) may be best described as a susceptibility locus and is classified as pathogenic. References: Girirajan et al., GeneReviews 2018 Sep 13. PMID: 25719193; Redaelli et al., Int J Mol Sci. 2019 Mar 4;20(5):1095. PMID: 30836599

GRCh37/hg19 16p12.2(chr16:21801889-22442007)x1

Genes: POLR3E (RNA polymerase III subunit E), SDR42E2 (short chain dehydrogenase/reductase family 42E, member 2), UQCRC2 (ubiquinol-cytochrome c reductase core protein 2), VWA3A (von Willebrand factor A domain containing 3A), EEF2K (eukaryotic elongation factor 2 kinase) and 4 more. Cytogenetic location: 16p12.2.
Variant type: copy number loss.
Change: copy number 1 (one copy instead of two) of chr16:21,801,889-22,442,007 (640.1 kb, GRCh37 coordinates, 1-based), cytogenetic band 16p12.2.
Identifiers: ClinVar variation 564301 (VCV000564301.3).